The following is an entry in ClinVar:

ClinVar aggregate classification (germline): Benign/Likely benign. Review status: criteria provided, multiple submitters, no conflicts (2 of 4 stars). 3 submissions from 3 submitters: Benign (1); Likely benign (1). 1 of the submissions does not count toward it. Last evaluated 2025-07-30.

Conditions:
CACNA1E-related disorder. Also called: CACNA1E-related condition.

Allele frequency attached by ClinVar (database versions not stated): gnomAD exomes 0.00003 and 0.00018; gnomAD 0.00006 and 0.00007; TOPMed 0.00010; 1000 Genomes Project 30x 0.00016; ExAC 0.00017; 1000 Genomes Project 0.00020.
gnomAD v4.1: 63 of 1,613,278 alleles (0.0039%); highest among the groups gnomAD compares: East Asian, 0.12%; no homozygotes.

Submissions (3):

Labcorp Genetics (formerly Invitae), Labcorp
Classification: Benign. Last evaluated: 2025-07-30. Review status: criteria provided, single submitter. Criteria: Invitae Variant Classification Sherloc (09022015). Collection method: clinical testing. Allele origin: germline.

Blueprint Genetics
Classification: Likely benign. Last evaluated: 2024-04-04. Review status: criteria provided, single submitter. Criteria: ACMG Guidelines, 2015. Collection method: clinical testing. Allele origin: germline.

PreventionGenetics, part of Exact Sciences
Classification: Likely benign for CACNA1E-related condition. Last evaluated: 2019-09-17. Review status: no assertion criteria provided. Collection method: clinical testing. Allele origin: germline. Not counted in ClinVar's aggregate classification.
Comment: This variant is classified as likely benign based on ACMG/AMP sequence variant interpretation guidelines (Richards et al. 2015 PMID: 25741868, with internal and published modifications).

NM_001205293.3(CACNA1E):c.969A>G (p.Gly323=)

Gene: CACNA1E (calcium voltage-gated channel subunit alpha1 E; plus strand). Cytogenetic location: 1q25.3.
Variant type: single nucleotide variant.
Coding change: c.969A>G on transcript NM_001205293.3 (MANE Select); coding-DNA position 969, A replaced by G.
Protein change: p.Gly323=; no amino-acid change (glycine 323 retained).
Molecular consequence: synonymous variant.
Genome position (GRCh38, 1-based): chr1:181,651,355, A>G. VCF-style: chr1-181651355-A-G. GRCh37 (hg19) VCF-style: chr1-181620491-A-G.
Other names: c.969A>G, p.Gly323= (NM_000721.4, NM_001205294.2); c.969A>G (NM_000721.3).
Identifiers: ClinVar variation 1601236 (VCV001601236.11), dbSNP rs555540452, ClinGen allele CA1275005.
Genomic context (GRCh38, chr1:181,651,355, plus strand): 5'-AAGATGGCTTTAAGTATTAAGGAACCATTTTTCTTTCTTTCAGACCAATGATGCCTTAGG[A>G]GCCACCTGGAATTGGCTGTACTTCATCCCCCTCATCATCATTGGATCCTTCTTTGTTCTC-3'
Protein context (NP_001192222.1, residues 313-333): TVLYNTNDAL[Gly323=]ATWNWLYFIP